The following is an entry in ClinVar:

ClinVar aggregate classification (germline): Likely benign (1 of 4 stars; one submission).

Conditions:
TTC8-related disorder. Also called: TTC8-related condition.

gnomAD v4.1: 15 of 1,557,938 alleles (0.00096%); highest among the groups gnomAD compares: Middle Eastern, 0.02%; no homozygotes.

Submission:

PreventionGenetics, part of Exact Sciences
Classification: Likely benign for TTC8-related condition. Last evaluated: 2025-03-26. Review status: criteria provided, single submitter. Criteria: ACMG Guidelines, 2015. Collection method: clinical testing. Allele origin: germline.
Comment: This variant is classified as likely benign based on ACMG/AMP sequence variant interpretation guidelines (Richards et al. 2015 PMID: 25741868, with internal and published modifications).

NM_144596.4(TTC8):c.-30G>T

Gene: TTC8 (tetratricopeptide repeat domain 8; plus strand). Cytogenetic location: 14q31.3.
Variant type: single nucleotide variant.
Coding change: c.-30G>T on transcript NM_144596.4 (MANE Select); 30 bases upstream of the start codon, G replaced by T.
Molecular consequence: 5 prime UTR variant. On other transcripts: non-coding transcript variant (1).
Genome position (GRCh38, 1-based): chr14:88,824,678, G>T. VCF-style: chr14-88824678-G-T. GRCh37 (hg19) VCF-style: chr14-89291022-G-T.
Other names: c.-30G>T (NM_001288781.1, NM_001366535.2, NM_001366536.2 and 2 more transcripts); c.-592G>T (NM_001288782.1); c.-687G>T (NM_001288783.1).
Identifiers: ClinVar variation 4979993 (VCV004979993.1).